The following is an entry in ClinVar:

ClinVar aggregate classification (germline): Likely pathogenic. Review status: criteria provided, multiple submitters, no conflicts (2 of 4 stars). 3 submissions from 3 submitters: Likely pathogenic (2). 1 of the submissions does not count toward it. Last evaluated 2024-05-27.

Conditions:
Holocarboxylase synthetase deficiency. Also called: MULTIPLE CARBOXYLASE DEFICIENCY, EARLY ONSET. Identifiers: Orphanet 79242, MedGen C0268581, MONDO:0009666, OMIM 253270.

Allele frequency attached by ClinVar (database versions not stated): gnomAD 0.00001.
gnomAD v4.1: 1 of 1,614,070 alleles (0.000062%); highest among the groups gnomAD compares: Non-Finnish European, 0.000085%; no homozygotes.

Submissions (3):

Natera, Inc.
Classification: Likely pathogenic for Holocarboxylase synthetase deficiency. Last evaluated: 2024-05-27. Review status: criteria provided, single submitter. Criteria: Natera Variant Classification Schema (03/2026). Collection method: clinical testing. Allele origin: germline.
Comment: The c.1409T>C variant in HLCS is a missense variant predicted to cause substitution of leucine to serine at amino acid 470. This variant is rare in the general population with a frequency below the threshold expected for the associated phenotype(s). This variant has been observed in one or more individuals affected with the associated recessive disease, as either homozygous or compound heterozygous with a second variant (PMID: 11735028). Functional studies show that this variant may disrupt protein function (PMID: 11735028). Computational prediction algorithms indicate this variant is likely to affect gene or protein function. Given the available evidence, this variant is classified as Likely Pathogenic.

Women's Health and Genetics/Laboratory Corporation of America, LabCorp
Classification: Likely pathogenic for Holocarboxylase synthetase deficiency. Last evaluated: 2022-07-18. Review status: criteria provided, single submitter. Criteria: LabCorp Variant Classification Summary - May 2015. Collection method: clinical testing. Allele origin: germline.
Comment: Variant summary: HLCS c.1409T>C (p.Leu470Ser) results in a non-conservative amino acid change located in the biotinyl protein ligase (BPL) and lipoyl protein ligase (LPL), catalytic domain (IPR004143) of the encoded protein sequence. Five of five in-silico tools predict a damaging effect of the variant on protein function. The variant was absent in 251462 control chromosomes (gnomAD). c.1409T>C has been reported in the literature in at least one compound heterozygous individual affected with Holocarboxylase Synthetase Deficiency (e.g. Yang_2001). In an experimental study the variant protein was found to have approximately 4% enzyme activity compared to the wild-type, suggesting the variant impairs protein function (Yang_2001). One clinical diagnostic laboratory has submitted an assessment for this variant to ClinVar after 2014 and classified the variant as uncertain significance. Based on the evidence outlined above, the variant was classified as likely pathogenic.

Counsyl
Classification: Uncertain significance for Holocarboxylase synthetase deficiency. Last evaluated: 2017-09-20. Review status: no assertion criteria provided. Collection method: clinical testing. Allele origin: unknown. Not counted in ClinVar's aggregate classification.

Literature cited by the submitters: PubMed 11735028 (cited by 3 submitters).

NM_001352514.2(HLCS):c.1850T>C (p.Leu617Ser)

Gene: HLCS (holocarboxylase synthetase; minus strand). Cytogenetic location: 21q22.13.
Variant type: single nucleotide variant.
Coding change: c.1850T>C on transcript NM_001352514.2 (MANE Select); coding-DNA position 1850, T replaced by C.
Protein change: p.Leu617Ser; replaces leucine 617 with serine.
Molecular consequence: missense variant. On other transcripts: non-coding transcript variant (2).
Genome position (GRCh38, 1-based): chr21:36,896,902, A>G on the plus strand (T>C on the coding strand, the complement: HLCS is on the minus strand). VCF-style: chr21-36896902-A-G. GRCh37 (hg19) VCF-style: chr21-38269202-A-G.
Other names: c.1409T>C (NM_000411.7); c.1409T>C, p.Leu470Ser (NM_000411.8, NM_001242784.3, NM_001242785.2 and 4 more transcripts); short protein forms L470S, L617S.
Identifiers: ClinVar variation 553944 (VCV000553944.5), dbSNP rs1261821166, ClinGen allele CA409966335.